The following is an entry in ClinVar:

ClinVar aggregate classification (germline): Benign. Review status: criteria provided, multiple submitters, no conflicts (2 of 4 stars). 2 submissions from 2 submitters: Benign (2). Last evaluated 2018-06-16.

Allele frequency attached by ClinVar (database versions not stated): gnomAD 0.26811 and 0.27283; TOPMed 0.26946; 1000 Genomes Project 30x 0.28873; 1000 Genomes Project 0.29213.
gnomAD v4.1: 375,278 of 1,260,416 alleles (30%); highest among the groups gnomAD compares: Admixed American, 37%; 57,375 homozygotes.

Submissions (2):

GeneDx
Classification: Benign. Last evaluated: 2018-06-16. Review status: criteria provided, single submitter. Criteria: GeneDx Variant Classification (06012015). Collection method: clinical testing. Allele origin: germline. Affected: yes.
Comment: This variant is considered likely benign or benign based on one or more of the following criteria: it is a conservative change, it occurs at a poorly conserved position in the protein, it is predicted to be benign by multiple in silico algorithms, and/or has population frequency not consistent with disease.

Breakthrough Genomics
Classification: Benign. Review status: criteria provided, single submitter. Criteria: ACMG Guidelines, 2015. Collection method: not provided. Allele origin: germline. Inheritance: Autosomal recessive inheritance. Affected: yes.

NM_006031.6(PCNT):c.9393+102C>T

Gene: PCNT (pericentrin; plus strand). Cytogenetic location: 21q22.3.
Variant type: single nucleotide variant.
Coding change: c.9393+102C>T on transcript NM_006031.6 (MANE Select); 102 bases into the intron after coding-DNA position 9393, C replaced by T.
Molecular consequence: intron variant.
Genome position (GRCh38, 1-based): chr21:46,440,304, C>T. VCF-style: chr21-46440304-C-T. GRCh37 (hg19) VCF-style: chr21-47860217-C-T.
Other names: c.8802+102C>T (NM_001315529.2).
Identifiers: ClinVar variation 667800 (VCV000667800.2), dbSNP rs2073377, ClinGen allele CA14865609.